The following is an entry in ClinVar:

NM_005560.6(LAMA5):c.7878C>T (p.Ser2626=)

Gene: LAMA5 (laminin subunit alpha 5; minus strand). Cytogenetic location: 20q13.33.
Variant type: single nucleotide variant.
Coding change: c.7878C>T on transcript NM_005560.6 (MANE Select); coding-DNA position 7878, C replaced by T.
Protein change: p.Ser2626=; no amino-acid change (serine 2626 retained).
Molecular consequence: synonymous variant.
Genome position (GRCh38, 1-based): chr20:62,315,197, G>A on the plus strand (C>T on the coding strand, the complement: LAMA5 is on the minus strand). VCF-style: chr20-62315197-G-A. GRCh37 (hg19) VCF-style: chr20-60890253-G-A.
Identifiers: ClinVar variation 2170852 (VCV002170852.28), dbSNP rs779815204, ClinGen allele CA9940970.

ClinVar aggregate classification (germline): Likely benign. Review status: criteria provided, multiple submitters, no conflicts (2 of 4 stars). 2 submissions from 2 submitters: Likely benign (2). Last evaluated 2022-08-29.

Allele frequency attached by ClinVar (database versions not stated): ExAC 0.00004; gnomAD exomes 0.00004; TOPMed 0.00006; gnomAD 0.00007.
gnomAD v4.1: 72 of 1,607,258 alleles (0.0045%); highest among the groups gnomAD compares: Admixed American, 0.0084%; no homozygotes.

Submissions (2):

Labcorp Genetics (formerly Invitae), Labcorp
Classification: Likely benign. Last evaluated: 2022-08-29. Review status: criteria provided, single submitter. Criteria: Invitae Variant Classification Sherloc (09022015). Collection method: clinical testing. Allele origin: germline.

CeGaT Center for Human Genetics Tuebingen
Classification: Likely benign. Last evaluated: 2022-04-01. Review status: criteria provided, single submitter. Criteria: CeGaT Center For Human Genetics Tuebingen Variant Classification Criteria Version 2. Collection method: clinical testing. Allele origin: germline. Affected: yes. Observed: 1 variant allele.
Comment: LAMA5: BP4, BP7